The following is an entry in ClinVar:

ClinVar aggregate classification (germline): Uncertain significance (1 of 4 stars; one submission).

Conditions:
Dilated cardiomyopathy 1JJ (CMD1JJ). Identifiers: Orphanet 154, MedGen C3808935, MONDO:0014095, OMIM 615235.

Allele frequency attached by ClinVar (database versions not stated): gnomAD exomes below 0.00001; ExAC 0.00001.
gnomAD v4.1: 3 of 1,614,036 alleles (0.00019%); highest among the groups gnomAD compares: South Asian, 0.0033%; no homozygotes.

Submission:

Labcorp Genetics (formerly Invitae), Labcorp
Classification: Uncertain significance for Dilated cardiomyopathy 1JJ. Last evaluated: 2022-01-01. Review status: criteria provided, single submitter. Criteria: Invitae Variant Classification Sherloc (09022015). Collection method: clinical testing. Allele origin: germline.
Comment: This variant is present in population databases (rs782663444, gnomAD 0.003%). This sequence change replaces serine, which is neutral and polar, with asparagine, which is neutral and polar, at codon 1010 of the LAMA4 protein (p.Ser1010Asn). This variant has not been reported in the literature in individuals affected with LAMA4-related conditions. Algorithms developed to predict the effect of missense changes on protein structure and function (SIFT, PolyPhen-2, Align-GVGD) all suggest that this variant is likely to be disruptive. In summary, the available evidence is currently insufficient to determine the role of this variant in disease. Therefore, it has been classified as a Variant of Uncertain Significance.

NM_001105206.3(LAMA4):c.3050G>A (p.Ser1017Asn)

Gene: LAMA4 (laminin subunit alpha 4; minus strand). Cytogenetic location: 6q21.
Variant type: single nucleotide variant.
Coding change: c.3050G>A on transcript NM_001105206.3 (MANE Select); coding-DNA position 3050, G replaced by A.
Protein change: p.Ser1017Asn; replaces serine 1017 with asparagine.
Molecular consequence: missense variant.
Genome position (GRCh38, 1-based): chr6:112,139,812, C>T on the plus strand (G>A on the coding strand, the complement: LAMA4 is on the minus strand). VCF-style: chr6-112139812-C-T. GRCh37 (hg19) VCF-style: chr6-112461014-C-T.
Other names: c.3029G>A, p.Ser1010Asn (NM_001105207.3, NM_002290.5); short protein forms S1017N, S1010N.
Identifiers: ClinVar variation 2069129 (VCV002069129.4), dbSNP rs782663444, ClinGen allele CA3965329.
Genomic context (GRCh38, chr6:112,139,812, plus strand): 5'-CGGGCACATGGCACTGATGTGGAGGGGTCCATATTATAGATGTGCTTAAAGTTGTACAAG[C>T]TGATCACATCATTATTCAAAGTGGCCAGTTCCAGGCAGCCAACAAAGCCAGGCAGGTTTA-3'
Protein context (NP_001098676.2, residues 1007-1027): ELATLNNDVI[Ser1017Asn]LYNFKHIYNM